The following is an entry in ClinVar:

ClinVar aggregate classification (germline): Likely pathogenic (0 of 4 stars; one submission).

Conditions:
AP4B1-related disorder. Also called: AP4B1-related condition.

Submission:

PreventionGenetics, part of Exact Sciences
Classification: Likely pathogenic for AP4B1-related condition. Last evaluated: 2024-01-09. Review status: no assertion criteria provided. Collection method: clinical testing. Allele origin: germline.
Comment: The AP4B1 c.1134C>A variant is predicted to result in premature protein termination (p.Tyr378*). To our knowledge, this variant has not been reported in the literature or in a large population database, indicating this variant is rare. Nonsense variants in AP4B1 are expected to be pathogenic. This variant is interpreted as likely pathogenic.

NM_001253852.3(AP4B1):c.1134C>A (p.Tyr378Ter)

Genes: AP4B1 (adaptor related protein complex 4 subunit beta 1; minus strand), AP4B1-AS1 (AP4B1 antisense RNA 1; plus strand). Cytogenetic location: 1p13.2.
Variant type: single nucleotide variant.
Coding change: c.1134C>A on transcript NM_001253852.3 (MANE Select); coding-DNA position 1134, C replaced by A.
Protein change: p.Tyr378Ter; replaces tyrosine 378 with a stop codon.
Molecular consequence: nonsense.
Genome position (GRCh38, 1-based): chr1:113,898,782, G>T on the plus strand (C>A on the coding strand, the complement: AP4B1 is on the minus strand). VCF-style: chr1-113898782-G-T. GRCh37 (hg19) VCF-style: chr1-114441404-G-T.
Other names: c.837C>A, p.Tyr279Ter (NM_001253853.3); c.630C>A, p.Tyr210Ter (NM_001308312.2); c.1134C>A, p.Tyr378Ter (NM_006594.5); short protein forms Y210*, Y279*, Y378*.
Identifiers: ClinVar variation 3058417 (VCV003058417.2), dbSNP rs2526556797, ClinGen allele CA341711752.